The following is an entry in ClinVar:

NM_002055.5(GFAP):c.701C>A (p.Ala234Asp)

Gene: GFAP (glial fibrillary acidic protein; minus strand). Cytogenetic location: 17q21.31.
Variant type: single nucleotide variant.
Coding change: c.701C>A on transcript NM_002055.5 (MANE Select); coding-DNA position 701, C replaced by A.
Protein change: p.Ala234Asp; replaces alanine 234 with aspartic acid.
Molecular consequence: missense variant.
Genome position (GRCh38, 1-based): chr17:44,913,348, G>T on the plus strand (C>A on the coding strand, the complement: GFAP is on the minus strand). VCF-style: chr17-44913348-G-T. GRCh37 (hg19) VCF-style: chr17-42990716-G-T.
Other names: c.701C>A, p.Ala234Asp (NM_001131019.3, NM_001242376.3, NM_001363846.2); short protein forms A234D.
Identifiers: ClinVar variation 4854126 (VCV004854126.1).

ClinVar aggregate classification (germline): Uncertain significance (1 of 4 stars; one submission).

Conditions:
Alexander disease (ALXDRD). Also called: Alexander's disease. Identifiers: Orphanet 58, MedGen C0270726, MONDO:0008752, OMIM 203450.

gnomAD v4.1: 1 of 1,614,158 alleles (0.000062%); highest among the groups gnomAD compares: South Asian, 0.0011%; no homozygotes.

Submission:

3billion
Classification: Uncertain significance for Alexander disease. Last evaluated: 2025-07-30. Review status: criteria provided, single submitter. Criteria: ACMG Guidelines, 2015. Collection method: clinical testing. Allele origin: germline. Affected: yes.
Comment: The variant is observed at an extremely low frequency in the gnomAD v4.1.0 dataset (total allele frequency: <0.001%). Predicted Consequence/Location: Missense variant. Missense changes are a common disease-causing mechanism. In silico tool predictions suggest damaging effect of the variant on gene or gene product [REVEL: 0.93 (>=0.6, sensitivity 0.68 and specificity 0.92); 3Cnet: 0.70 (> 0.75, sensitivity 0.96 and precision 0.92)]. Different missense changes at the same codon have been reported as of uncertain significance (ClinVar ID: VCV002840017). Therefore, this variant is classified as VUS according to the recommendation of ACMG/AMP guideline.